The following is an entry in ClinVar:

ClinVar aggregate classification (germline): Pathogenic/Likely pathogenic. Review status: criteria provided, multiple submitters, no conflicts (2 of 4 stars). 3 submissions from 3 submitters: Pathogenic (1); Likely pathogenic (1). 1 of the submissions does not count toward it.

Conditions:
Porokeratosis 7, multiple types. Also called: POROK7. Identifiers: MedGen C3553549, MONDO:0013868, OMIM 614714.

Allele frequency attached by ClinVar (database versions not stated): gnomAD exomes 0.00001; TOPMed 0.00002; gnomAD 0.00003; ExAC 0.00004.
gnomAD v4.1: 11 of 1,571,020 alleles (0.0007%); highest among the groups gnomAD compares: African/African-American, 0.0094%; no homozygotes.

Submissions (3):

Juno Genomics, Hangzhou Juno Genomics, Inc
Classification: Likely pathogenic for Porokeratosis 7, multiple types. Review status: criteria provided, single submitter. Criteria: ACMG Guidelines, 2015. Collection method: clinical testing. Allele origin: germline.
Comment: Absent from controls (or at extremely low frequency if recessive) in Genome Aggregation Database.;The prevalence of the variant in affected individuals is significantly increased compared to the prevalence in controls.;Patient's phenotype or family history is highly specific for a disease with a single genetic etiology.

Neuberg Centre For Genomic Medicine, NCGM
Classification: Pathogenic for Porokeratosis 7, multiple types. Review status: criteria provided, single submitter. Criteria: ACMG Guidelines, 2015. Collection method: clinical testing. Allele origin: germline. Inheritance: Autosomal dominant inheritance. Affected: yes.
Comment: The amino acid Asn at position 292 is changed to a Ser changing protein sequence and it might alter its composition and physico-chemical properties. This variant has been reported to the ClinVar database as Pathogenic. The variant is predicted to be damaging by both SIFT and PolyPhen2. The residue is conserved across species. The amino acid change p.Asn292Ser in MVD is predicted as conserved by GERP++ and PhyloP across 100 vertebrates. The p.Asn292Ser variant is reported in gnomAD with the allele frequency of 0.00000928 and is novel (not in any individuals) in 1000 Genomes. It is a hotspot mutation and along with c.746T>C variant accounts for 81% cases (Zhang Z et al, Qian W et al). For these reasons, this variant has been classified as Pathogenic

OMIM
Classification: Pathogenic for POROKERATOSIS 7, MULTIPLE TYPES. Last evaluated: 2015-07-23. Review status: no assertion criteria provided. Collection method: literature only. Allele origin: germline. Not counted in ClinVar's aggregate classification.

Literature cited by the submitters: PubMed 26202976 (cited by OMIM).

NM_002461.3(MVD):c.875A>G (p.Asn292Ser)

Gene: MVD (mevalonate diphosphate decarboxylase; minus strand). Cytogenetic location: 16q24.2.
Variant type: single nucleotide variant.
Coding change: c.875A>G on transcript NM_002461.3 (MANE Select); coding-DNA position 875, A replaced by G.
Protein change: p.Asn292Ser; replaces asparagine 292 with serine.
Molecular consequence: missense variant.
Genome position (GRCh38, 1-based): chr16:88,655,221, T>C on the plus strand (A>G on the coding strand, the complement: MVD is on the minus strand). VCF-style: chr16-88655221-T-C. GRCh37 (hg19) VCF-style: chr16-88721629-T-C.
Other names: short protein forms N292S.
Identifiers: ClinVar variation 253040 (VCV000253040.3), dbSNP rs755948940, ClinGen allele CA8228726.